The following is an entry in ClinVar:

NM_007294.4(BRCA1):c.1989C>A (p.Ser663Arg)

Gene: BRCA1 (BRCA1 DNA repair associated; minus strand). Cytogenetic location: 17q21.31.
Variant type: single nucleotide variant.
Coding change: c.1989C>A on transcript NM_007294.4 (MANE Select); coding-DNA position 1989, C replaced by A.
Protein change: p.Ser663Arg; replaces serine 663 with arginine.
Molecular consequence: missense variant. On other transcripts: intron variant (137).
Genome position (GRCh38, 1-based): chr17:43,093,542, G>T on the plus strand (C>A on the coding strand, the complement: BRCA1 is on the minus strand). VCF-style: chr17-43093542-G-T. GRCh37 (hg19) VCF-style: chr17-41245559-G-T.
Other names: c.1779C>A, p.Ser593Arg (NM_001407889.1, NM_001407886.1, NM_001407887.1 and 13 more transcripts); c.1776C>A, p.Ser592Arg (NM_001407894.1, NM_001407895.1, NM_001407896.1 and 9 more transcripts); c.1866C>A, p.Ser622Arg (NM_001407919.1, NM_001407648.1, NM_001407664.1 and 19 more transcripts); c.1725C>A, p.Ser575Arg (NM_001407920.1, NM_001407921.1, NM_001407922.1 and 9 more transcripts); c.1653C>A, p.Ser551Arg (NM_001407955.1, NM_001407956.1, NM_001407958.1 and 1 more transcripts); c.1656C>A, p.Ser552Arg (NM_001407957.1, NM_001407946.1, NM_001407947.1 and 6 more transcripts); c.1608C>A, p.Ser536Arg (NM_001407959.1, NM_001407960.1, NM_001407963.1); c.1605C>A, p.Ser535Arg (NM_001407962.1); and 40 more; short protein forms S367R, S495R, S535R, S536R, S551R, S552R, S574R, S575R.
Identifiers: ClinVar variation 4527077 (VCV004527077.1).
Genomic context (GRCh38, chr17:43,093,542, plus strand): 5'-CTTGTTACTCTTCTTGGCTCCAGTTGCAGGTTCTTTACCTTCCATGAGTTGTAGGTTTCT[G>T]CTGTGCCTGACTGGCATTTGGTTGTACTTTTTTTTCTTTATCTCTTCACTGCTAGAACAA-3'
Protein context (NP_009225.1, residues 653-673): KKYNQMPVRH[Ser663Arg]RNLQLMEGKE

ClinVar aggregate classification (germline): Uncertain significance (1 of 4 stars; one submission).

Submission:

GeneDx
Classification: Uncertain significance. Last evaluated: 2025-05-05. Review status: criteria provided, single submitter. Criteria: GeneDx Variant Classification Process June 2021. Collection method: clinical testing. Allele origin: germline. Affected: yes.
Comment: Not observed at significant frequency in large population cohorts (gnomAD); In silico analysis supports that this missense variant has a deleterious effect on protein structure/function; Has not been previously published as pathogenic or benign to our knowledge; Also known as 2108C>A; This variant is associated with the following publications: (PMID: 10426999, 10792030, 15343273)